The following is an entry in ClinVar:

ClinVar aggregate classification (germline): Uncertain significance (1 of 4 stars; one submission).

Allele frequency attached by ClinVar (database versions not stated): gnomAD exomes below 0.00001.

Submission:

Ambry Genetics
Classification: Uncertain significance. Last evaluated: 2024-03-14. Review status: criteria provided, single submitter. Criteria: Ambry Variant Classification Scheme 2023. Collection method: clinical testing. Allele origin: germline.
Comment: The p.E1600G variant (also known as c.4799A>G), located in coding exon 16 of the POLQ gene, results from an A to G substitution at nucleotide position 4799. The glutamic acid at codon 1600 is replaced by glycine, an amino acid with similar properties. This amino acid position is conserved. In addition, this alteration is predicted to be tolerated by in silico analysis. Based on the available evidence, the clinical significance of this alteration remains unclear.

NM_199420.4(POLQ):c.4799A>G (p.Glu1600Gly)

Gene: POLQ (DNA polymerase theta; minus strand). Cytogenetic location: 3q13.33.
Variant type: single nucleotide variant.
Coding change: c.4799A>G on transcript NM_199420.4 (MANE Select); coding-DNA position 4799, A replaced by G.
Protein change: p.Glu1600Gly; replaces glutamic acid 1600 with glycine.
Molecular consequence: missense variant.
Genome position (GRCh38, 1-based): chr3:121,488,132, T>C on the plus strand (A>G on the coding strand, the complement: POLQ is on the minus strand). VCF-style: chr3-121488132-T-C. GRCh37 (hg19) VCF-style: chr3-121206979-T-C.
Other names: short protein forms E1600G.
Identifiers: ClinVar variation 3230017 (VCV003230017.1), dbSNP rs2546785501, ClinGen allele CA354093792.